The following is an entry in ClinVar:

NM_001379286.1(ZNF423):c.1175C>T (p.Pro392Leu)

Gene: ZNF423 (zinc finger protein 423; minus strand). Cytogenetic location: 16q12.1.
Variant type: single nucleotide variant.
Coding change: c.1175C>T on transcript NM_001379286.1 (MANE Select); coding-DNA position 1175, C replaced by T.
Protein change: p.Pro392Leu; replaces proline 392 with leucine.
Molecular consequence: missense variant.
Genome position (GRCh38, 1-based): chr16:49,638,001, G>A on the plus strand (C>T on the coding strand, the complement: ZNF423 is on the minus strand). VCF-style: chr16-49638001-G-A. GRCh37 (hg19) VCF-style: chr16-49671912-G-A.
Other names: c.971C>T, p.Pro324Leu (NM_001271620.2); c.800C>T, p.Pro267Leu (NM_001330533.2); c.1151C>T, p.Pro384Leu (NM_015069.5); short protein forms P324L, P384L, P392L, P267L.
Identifiers: ClinVar variation 2086245 (VCV002086245.4), dbSNP rs774167276, ClinGen allele CA8046742.
Genomic context (GRCh38, chr16:49,638,001, plus strand): 5'-CAGCCCTGCCCGTCATCCCGCATCTTCTTCTGCCCCCGCAGCGGCTTCAAGGTGGAGTCC[G>A]GGGTGGAGCCACGCTCCACAGAGGCGCTGGAGTCGGGTGTGGCGCTGCTCATGGAGGCCA-3'
Protein context (NP_001366215.1, residues 382-402): SSASVERGST[Pro392Leu]DSTLKPLRGQ

ClinVar aggregate classification (germline): Uncertain significance (1 of 4 stars; one submission).

Conditions:
Nephronophthisis 14 (NPHP14). Identifiers: Orphanet 2318, MedGen C3539071, MONDO:0013916, OMIM 614844.

Allele frequency attached by ClinVar (database versions not stated): gnomAD 0.00001; TOPMed 0.00001; ExAC 0.00002.
gnomAD v4.1: 8 of 1,613,960 alleles (0.0005%); highest among the groups gnomAD compares: Non-Finnish European, 0.00068%; no homozygotes.

Submission:

Labcorp Genetics (formerly Invitae), Labcorp
Classification: Uncertain significance for Nephronophthisis 14. Last evaluated: 2024-12-03. Review status: criteria provided, single submitter. Criteria: Invitae Variant Classification Sherloc (09022015). Collection method: clinical testing. Allele origin: germline.
Comment: This sequence change replaces proline, which is neutral and non-polar, with leucine, which is neutral and non-polar, at codon 384 of the ZNF423 protein (p.Pro384Leu). This variant is present in population databases (rs774167276, gnomAD 0.003%). This variant has not been reported in the literature in individuals affected with ZNF423-related conditions. ClinVar contains an entry for this variant (Variation ID: 2086245). Invitae Evidence Modeling of protein sequence and biophysical properties (such as structural, functional, and spatial information, amino acid conservation, physicochemical variation, residue mobility, and thermodynamic stability) indicates that this missense variant is not expected to disrupt ZNF423 protein function with a negative predictive value of 80%. In summary, the available evidence is currently insufficient to determine the role of this variant in disease. Therefore, it has been classified as a Variant of Uncertain Significance.